The following is an entry in ClinVar:

ClinVar aggregate classification (germline): Likely pathogenic (1 of 4 stars; one submission).

Conditions:
AHDC1-related intellectual disability - obstructive sleep apnea - mild dysmorphism syndrome. Also called: Xia-Gibbs syndrome. Identifiers: Orphanet 412069, MedGen C4014419, MONDO:0014358, OMIM 615829.

Submission:

3billion
Classification: Likely pathogenic for AHDC1-related intellectual disability - obstructive sleep apnea - mild dysmorphism syndrome. Last evaluated: 2025-06-19. Review status: criteria provided, single submitter. Criteria: ACMG Guidelines, 2015. Collection method: clinical testing. Allele origin: germline. Affected: yes.
Comment: The variant is not observed in the gnomAD v4.1.0 dataset. Predicted Consequence/Location: Frameshift: predicted to result in a loss or disruption of normal protein function through nonsense-mediated decay (NMD) or protein truncation. Multiple pathogenic variants are reported downstream of the variant. Therefore, this variant is classified as Likely pathogenic according to the recommendation of ACMG/AMP guideline.

NM_001371928.1(AHDC1):c.1376_1377del (p.Pro459fs)

Gene: AHDC1 (AT-hook DNA binding motif containing 1; minus strand). Cytogenetic location: 1p36.11.
Variant type: Deletion.
Coding change: c.1376_1377del on transcript NM_001371928.1 (MANE Select); coding-DNA positions 1376 to 1377, 2 bases deleted (CA; older notation c.1376_1377delCA).
Protein change: p.Pro459fs; shifts the reading frame from proline 459.
Molecular consequence: frameshift variant.
Genome position (GRCh38, 1-based): chr1:27,550,739-27,550,740, TG deleted on the plus strand (CA on the coding strand, the reverse complement: AHDC1 is on the minus strand). VCF-style (leftmost placement, unchanged base first): chr1-27550738-CTG-C. GRCh37 (hg19) VCF-style: chr1-27877249-CTG-C.
Other names: c.1376_1377del, p.Pro459fs (NM_001029882.3); short protein forms P459fs.
Identifiers: ClinVar variation 4853939 (VCV004853939.1).